The following is an entry in ClinVar:

NM_024407.5(NDUFS7):c.252C>T (p.Phe84=)

Gene: NDUFS7 (NADH:ubiquinone oxidoreductase core subunit S7; plus strand). Cytogenetic location: 19p13.3.
Variant type: single nucleotide variant.
Coding change: c.252C>T on transcript NM_024407.5 (MANE Select); coding-DNA position 252, C replaced by T.
Protein change: p.Phe84=; no amino-acid change (phenylalanine 84 retained).
Molecular consequence: synonymous variant.
Genome position (GRCh38, 1-based): chr19:1,390,894, C>T. VCF-style: chr19-1390894-C-T. GRCh37 (hg19) VCF-style: chr19-1390893-C-T.
Other names: c.252C>T, p.Phe84= (NM_001363602.2).
Identifiers: ClinVar variation 2861693 (VCV002861693.12), dbSNP rs372552847, ClinGen allele CA9043321.
Genomic context (GRCh38, chr19:1,390,894, plus strand): 5'-CCGGGGGTGGCGTCTGACCCGAGCCCGGCCTCCGCAGAGTTCTCTGTGGCCCATGACCTT[C>T]GGCCTGGCCTGCTGCGCCGTGGAGATGATGCACATGGCAGCACCCCGCTACGACATGGAC-3'
Protein context (NP_077718.3, residues 74-94): ARRSSLWPMT[Phe84=]GLACCAVEMM

ClinVar aggregate classification (germline): Likely benign. Review status: criteria provided, multiple submitters, no conflicts (2 of 4 stars). 3 submissions from 3 submitters: Likely benign (3). Last evaluated 2026-08-01.

Allele frequency attached by ClinVar (database versions not stated): gnomAD 0.00003; gnomAD exomes 0.00006; ESP Exome Variant Server 0.00008; ExAC 0.00009.
gnomAD v4.1: 88 of 1,610,448 alleles (0.0055%); highest among the groups gnomAD compares: Non-Finnish European, 0.0064%; no homozygotes.

Submissions (3):

CeGaT Center for Human Genetics Tuebingen
Classification: Likely benign. Last evaluated: 2026-08-01. Review status: criteria provided, single submitter. Criteria: CeGaT Center For Human Genetics Tuebingen Variant Classification Criteria Version 2. Collection method: clinical testing. Allele origin: germline. Affected: yes. Observed: 2 variant alleles.
Comment: NDUFS7: BP4, BP7

Labcorp Genetics (formerly Invitae), Labcorp
Classification: Likely benign. Last evaluated: 2025-08-01. Review status: criteria provided, single submitter. Criteria: Invitae Variant Classification Sherloc (09022015). Collection method: clinical testing. Allele origin: germline.

Blueprint Genetics
Classification: Likely benign. Last evaluated: 2024-07-23. Review status: criteria provided, single submitter. Criteria: ACMG Guidelines, 2015. Collection method: clinical testing. Allele origin: germline.